The following is an entry in ClinVar:

ClinVar aggregate classification (germline): Uncertain significance (1 of 4 stars; one submission).

Allele frequency attached by ClinVar (database versions not stated): gnomAD exomes below 0.00001.
gnomAD v4.1: 1 of 1,613,614 alleles (0.000062%); highest among the groups gnomAD compares: Non-Finnish European, 0.000085%; no homozygotes.

Submission:

Ambry Genetics
Classification: Uncertain significance. Last evaluated: 2023-04-28. Review status: criteria provided, single submitter. Criteria: Ambry Variant Classification Scheme 2023. Collection method: clinical testing. Allele origin: germline.
Comment: The p.E727K variant (also known as c.2179G>A), located in coding exon 11 of the PALLD gene, results from a G to A substitution at nucleotide position 2179. The glutamic acid at codon 727 is replaced by lysine, an amino acid with similar properties. This amino acid position is conserved. In addition, the in silico prediction for this alteration is inconclusive. Since supporting evidence is limited at this time, the clinical significance of this alteration remains unclear.

NM_001166108.2(PALLD):c.2179G>A (p.Glu727Lys)

Genes: CBR4 (carbonyl reductase 4; minus strand), PALLD (palladin, cytoskeletal associated protein; plus strand). Cytogenetic location: 4q32.3.
Variant type: single nucleotide variant.
Coding change: c.2179G>A on transcript NM_001166108.2 (MANE Select); coding-DNA position 2179, G replaced by A.
Protein change: p.Glu727Lys; replaces glutamic acid 727 with lysine.
Molecular consequence: missense variant.
Genome position (GRCh38, 1-based): chr4:168,894,657, G>A. VCF-style: chr4-168894657-G-A. GRCh37 (hg19) VCF-style: chr4-169815808-G-A.
Other names: c.1033G>A, p.Glu345Lys (NM_001166109.2); c.718G>A, p.Glu240Lys (NM_001166110.2); c.58G>A, p.Glu20Lys (NM_001367567.1, NM_001367568.1, NM_001367569.1 and 1 more transcripts); c.2179G>A, p.Glu727Lys (NM_016081.4); short protein forms E20K, E727K, E240K, E345K.
Identifiers: ClinVar variation 2563406 (VCV002563406.2), dbSNP rs2533639183, ClinGen allele CA358797787.
Genomic context (GRCh38, chr4:168,894,657, plus strand): 5'-AGAATGGCTCGTCGACTGCTAGGTGCTGACAGTGCAACTGTCTTTAATATTCAGGAGCCA[G>A]AAGAGGAAACAGCTAATCAGGTACCATGTTGCTCTGGACTTCTTAGGGTAACATTTATTC-3'
Protein context (NP_001159580.1, residues 717-737): SATVFNIQEP[Glu727Lys]EETANQDIGS